The following is an entry in ClinVar:

NM_178170.3(NEK8):c.986T>A (p.Met329Lys)

Gene: NEK8 (NIMA related kinase 8; plus strand). Cytogenetic location: 17q11.2.
Variant type: single nucleotide variant.
Coding change: c.986T>A on transcript NM_178170.3 (MANE Select); coding-DNA position 986, T replaced by A.
Protein change: p.Met329Lys; replaces methionine 329 with lysine.
Molecular consequence: missense variant.
Genome position (GRCh38, 1-based): chr17:28,737,915, T>A. VCF-style: chr17-28737915-T-A. GRCh37 (hg19) VCF-style: chr17-27064933-T-A.
Other names: short protein forms M329K.
Identifiers: ClinVar variation 4700880 (VCV004700880.1).
Genomic context (GRCh38, chr17:28,737,915, plus strand): 5'-CACCACTGTCGTCAGTGTATGCCTGGGGTGGTGGGCTGGGCACCCCCCTGCGGCTGCCAA[T>A]GCTCAACACAGAGGTGGTCCAGGTGGCAGCTGGGCGCACGCAGAAAGCCGGCGTCACGCG-3'
Protein context (NP_835464.1, residues 319-339): GGLGTPLRLP[Met329Lys]LNTEVVQVAA

ClinVar aggregate classification (germline): Uncertain significance (1 of 4 stars; one submission).

Conditions:
Nephronophthisis 9 (NPHP9). Identifiers: Orphanet 655, MedGen C3151188, MONDO:0013444, OMIM 613824.

Submission:

Labcorp Genetics (formerly Invitae), Labcorp
Classification: Uncertain significance for Nephronophthisis 9. Last evaluated: 2025-03-05. Review status: criteria provided, single submitter. Criteria: Invitae Variant Classification Sherloc (09022015). Collection method: clinical testing. Allele origin: germline.
Comment: This sequence change replaces methionine, which is neutral and non-polar, with lysine, which is basic and polar, at codon 329 of the NEK8 protein (p.Met329Lys). This variant is not present in population databases (gnomAD no frequency). This variant has not been reported in the literature in individuals affected with NEK8-related conditions. An algorithm developed to predict the effect of missense changes on protein structure and function (PolyPhen-2) suggests that this variant is likely to be tolerated. In summary, the available evidence is currently insufficient to determine the role of this variant in disease. Therefore, it has been classified as a Variant of Uncertain Significance.